The following is an entry in ClinVar:

ClinVar aggregate classification (germline): Uncertain significance. Review status: criteria provided, multiple submitters, no conflicts (2 of 4 stars). 3 submissions from 3 submitters: Uncertain significance (3). Last evaluated 2024-06-17.

Conditions:
Episodic ataxia type 1 (EA1). Also called: ATAXIA, EPISODIC, WITH MYOKYMIA; MYOKYMIA WITH PERIODIC ATAXIA; PAROXYSMAL ATAXIA WITH NEUROMYOTONIA, HEREDITARY; Episodic ataxia/myokymia syndrome. Identifiers: Orphanet 37612, Orphanet 972, MedGen C1719788, MONDO:0008047, OMIM 160120.

Allele frequency attached by ClinVar (database versions not stated): gnomAD exomes below 0.00001 and 0.00001; TOPMed below 0.00001.

Submissions (3):

Labcorp Genetics (formerly Invitae), Labcorp
Classification: Uncertain significance for Episodic ataxia type 1. Last evaluated: 2024-06-17. Review status: criteria provided, single submitter. Criteria: Invitae Variant Classification Sherloc (09022015). Collection method: clinical testing. Allele origin: germline.
Comment: This sequence change replaces valine, which is neutral and non-polar, with alanine, which is neutral and non-polar, at codon 106 of the KCNA1 protein (p.Val106Ala). This variant is present in population databases (no rsID available, gnomAD 0.0009%). This variant has not been reported in the literature in individuals affected with KCNA1-related conditions. ClinVar contains an entry for this variant (Variation ID: 309144). Advanced modeling of protein sequence and biophysical properties (such as structural, functional, and spatial information, amino acid conservation, physicochemical variation, residue mobility, and thermodynamic stability) performed at Invitae indicates that this missense variant is not expected to disrupt KCNA1 protein function with a negative predictive value of 80%. In summary, the available evidence is currently insufficient to determine the role of this variant in disease. Therefore, it has been classified as a Variant of Uncertain Significance.

Fulgent Genetics
Classification: Uncertain significance for Episodic ataxia type 1. Last evaluated: 2024-05-17. Review status: criteria provided, single submitter. Criteria: ACMG Guidelines, 2015. Collection method: clinical testing. Allele origin: germline.

Illumina Laboratory Services, Illumina
Classification: Uncertain significance for Episodic ataxia type 1. Last evaluated: 2018-01-13. Review status: criteria provided, single submitter. Criteria: ICSL Variant Classification Criteria 13 December 2019. Collection method: clinical testing. Allele origin: germline.

NM_000217.3(KCNA1):c.317T>C (p.Val106Ala)

Gene: KCNA1 (potassium voltage-gated channel subfamily A member 1; plus strand). Cytogenetic location: 12p13.32.
Variant type: single nucleotide variant.
Coding change: c.317T>C on transcript NM_000217.3 (MANE Select); coding-DNA position 317, T replaced by C.
Protein change: p.Val106Ala; replaces valine 106 with alanine.
Molecular consequence: missense variant.
Genome position (GRCh38, 1-based): chr12:4,911,695, T>C. VCF-style: chr12-4911695-T-C. GRCh37 (hg19) VCF-style: chr12-5020861-T-C.
Other names: short protein forms V106A.
Identifiers: ClinVar variation 309144 (VCV000309144.12), dbSNP rs886049510, ClinGen allele CA10642496.
Genomic context (GRCh38, chr12:4,911,695, plus strand): 5'-GGCCCAGCTTCGACGCCATCCTCTACTACTACCAGTCCGGCGGCCGCCTGCGGAGGCCGG[T>C]CAACGTGCCCCTGGACATGTTCTCCGAGGAGATCAAGTTTTACGAGTTGGGCGAGGAGGC-3'
Protein context (NP_000208.2, residues 96-116): YQSGGRLRRP[Val106Ala]NVPLDMFSEE